The following is an entry in ClinVar:

ClinVar aggregate classification (germline): Uncertain significance (1 of 4 stars; one submission).

Allele frequency attached by ClinVar (database versions not stated): TOPMed 0.00001; gnomAD exomes 0.00001.
gnomAD v4.1: 3 of 1,528,070 alleles (0.0002%); highest among the groups gnomAD compares: East Asian, 0.0049%; no homozygotes.

Submission:

Labcorp Genetics (formerly Invitae), Labcorp
Classification: Uncertain significance. Last evaluated: 2025-08-24. Review status: criteria provided, single submitter. Criteria: Invitae Variant Classification Sherloc (09022015). Collection method: clinical testing. Allele origin: germline.
Comment: This sequence change replaces proline, which is neutral and non-polar, with alanine, which is neutral and non-polar, at codon 111 of the RAX2 protein (p.Pro111Ala). This variant is present in population databases (no rsID available, gnomAD 0.01%). This variant has not been reported in the literature in individuals affected with RAX2-related conditions. ClinVar contains an entry for this variant (Variation ID: 1395689). An algorithm developed to predict the effect of missense changes on protein structure and function (PolyPhen-2) suggests that this variant is likely to be disruptive. In summary, the available evidence is currently insufficient to determine the role of this variant in disease. Therefore, it has been classified as a Variant of Uncertain Significance.

NM_001319074.4(RAX2):c.331C>G (p.Pro111Ala)

Gene: RAX2 (retina and anterior neural fold homeobox 2; minus strand). Cytogenetic location: 19p13.3.
Variant type: single nucleotide variant.
Coding change: c.331C>G on transcript NM_001319074.4 (MANE Select); coding-DNA position 331, C replaced by G.
Protein change: p.Pro111Ala; replaces proline 111 with alanine.
Molecular consequence: missense variant.
Genome position (GRCh38, 1-based): chr19:3,770,845, G>C on the plus strand (C>G on the coding strand, the complement: RAX2 is on the minus strand). VCF-style: chr19-3770845-G-C. GRCh37 (hg19) VCF-style: chr19-3770843-G-C.
Other names: c.331C>G, p.Pro111Ala (NM_032753.4); short protein forms P111A.
Identifiers: ClinVar variation 1395689 (VCV001395689.6), dbSNP rs1251233912, ClinGen allele CA403374756.